The following is an entry in ClinVar:

NM_001374828.1(ARID1B):c.3260T>C (p.Met1087Thr)

Gene: ARID1B (AT-rich interaction domain 1B; plus strand). Cytogenetic location: 6q25.3.
Variant type: single nucleotide variant.
Coding change: c.3260T>C on transcript NM_001374828.1 (MANE Select); coding-DNA position 3260, T replaced by C.
Protein change: p.Met1087Thr; replaces methionine 1087 with threonine.
Molecular consequence: missense variant.
Genome position (GRCh38, 1-based): chr6:157,174,032, T>C. VCF-style: chr6-157174032-T-C. GRCh37 (hg19) VCF-style: chr6-157495166-T-C.
Other names: c.3050T>C, p.Met1017Thr (NM_020732.3); c.761T>C, p.Met254Thr (NM_001363725.2); c.3299T>C, p.Met1100Thr (NM_001371656.1, NM_001374820.1); c.3260T>C, p.Met1087Thr (NM_017519.3); short protein forms M1017T, M254T, M1087T, M1100T.
Identifiers: ClinVar variation 434382 (VCV000434382.9), dbSNP rs371523255, ClinGen allele CA4067263.

ClinVar aggregate classification (germline): Conflicting classifications of pathogenicity. Review status: criteria provided, conflicting classifications (1 of 4 stars). 3 submissions from 3 submitters: Uncertain significance (1); Benign (1); Likely benign (1). Last evaluated 2025-05-02.

Allele frequency attached by ClinVar (database versions not stated): gnomAD exomes 0.00007 and 0.00012; ESP Exome Variant Server 0.00008; ExAC 0.00022; gnomAD 0.00003; TOPMed 0.00004.

Submissions (3):

Labcorp Genetics (formerly Invitae), Labcorp
Classification: Benign. Last evaluated: 2025-05-02. Review status: criteria provided, single submitter. Criteria: Invitae Variant Classification Sherloc (09022015). Collection method: clinical testing. Allele origin: germline.

GeneDx
Classification: Likely benign. Last evaluated: 2018-10-25. Review status: criteria provided, single submitter. Criteria: GeneDx Variant Classification Process June 2021. Collection method: clinical testing. Allele origin: germline. Affected: yes.
Comment: See Variant Classification Assertion Criteria.

Genetic Services Laboratory, University of Chicago
Classification: Uncertain significance. Last evaluated: 2016-07-21. Review status: criteria provided, single submitter. Criteria: ACMG Guidelines, 2015. Collection method: clinical testing. Allele origin: germline. Affected: no.